The following is an entry in ClinVar:

ClinVar aggregate classification (germline): Likely pathogenic (1 of 4 stars; one submission).

Conditions:
Intellectual developmental disorder with autism and macrocephaly. Also called: CHD8-Related Neurodevelopmental Disorder with Overgrowth; Autism, susceptibility to, 18. Identifiers: Orphanet 642675, MedGen C3554373, MONDO:0014017, OMIM 615032.

Submission:

3billion
Classification: Likely pathogenic for Intellectual developmental disorder with autism and macrocephaly. Review status: criteria provided, single submitter. Criteria: ACMG Guidelines, 2015. Collection method: clinical testing. Allele origin: unknown. Affected: yes. Observed: 1 heterozygote.
Comment: The variant is not observed in the gnomAD v2.1.1 dataset. It is a frameshift variant predicted to result in a loss or disruption of normal protein function through nonsense-mediated decay (NMD) or protein truncation. Multiple pathogenic variants are reported downstream of the variant. Therefore, this variant is classified as likely pathogenic according to the recommendation of ACMG/AMP guideline.

NM_001170629.2(CHD8):c.4001del (p.Leu1334fs)

Gene: CHD8 (chromodomain helicase DNA binding protein 8; minus strand). Cytogenetic location: 14q11.2.
Variant type: Deletion.
Coding change: c.4001del on transcript NM_001170629.2 (MANE Select); coding-DNA position 4001, one base deleted (T; older notation c.4001delT).
Protein change: p.Leu1334fs; shifts the reading frame from leucine 1334.
Molecular consequence: frameshift variant.
Genome position (GRCh38, 1-based): chr14:21,402,018, A deleted on the plus strand (T on the coding strand, the reverse complement: CHD8 is on the minus strand); the first of 2 consecutive A bases (chr14:21,402,018-21,402,019); deleting either gives the same sequence. VCF-style (leftmost placement, unchanged base first): chr14-21402017-CA-C. GRCh37 (hg19) VCF-style: chr14-21870176-CA-C.
Other names: c.3164del, p.Leu1055fs (NM_020920.4); short protein forms L1055fs, L1334fs.
Identifiers: ClinVar variation 2572571 (VCV002572571.1), dbSNP rs2501896438, ClinGen allele CA2580616554.